The following is an entry in ClinVar:

ClinVar aggregate classification (germline): Likely pathogenic (0 of 4 stars; one submission).

Conditions:
DYNC2H1-related disorder. Also called: DYNC2H1-related disorders; DYNC2H1-related condition. Identifiers: MedGen CN378770.

Allele frequency attached by ClinVar (database versions not stated): gnomAD exomes below 0.00001; ExAC 0.00001.
gnomAD v4.1: 1 of 1,607,494 alleles (0.000062%); highest among the groups gnomAD compares: Admixed American, 0.0017%; no homozygotes.

Submission:

PreventionGenetics, part of Exact Sciences
Classification: Likely pathogenic for DYNC2H1-related condition. Last evaluated: 2024-01-16. Review status: no assertion criteria provided. Collection method: clinical testing. Allele origin: germline.
Comment: The DYNC2H1 c.11278-2A>G variant is predicted to disrupt the AG splice acceptor site and interfere with normal splicing. To our knowledge, this variant has not been reported in the literature. This variant is reported in 0.0030% of alleles in individuals of Latino descent in gnomAD. Variants that disrupt the consensus splice acceptor site in DYNC2H1 are expected to be pathogenic. This variant is interpreted as likely pathogenic.

NM_001377.3(DYNC2H1):c.11257-2A>G

Gene: DYNC2H1 (dynein cytoplasmic 2 heavy chain 1; plus strand). Cytogenetic location: 11q22.3.
Variant type: single nucleotide variant.
Coding change: c.11257-2A>G on transcript NM_001377.3 (MANE Select); the canonical splice acceptor site of the intron before coding-DNA position 11257, A replaced by G.
Molecular consequence: splice acceptor variant.
Genome position (GRCh38, 1-based): chr11:103,304,593, A>G. VCF-style: chr11-103304593-A-G. GRCh37 (hg19) VCF-style: chr11-103175322-A-G.
Other names: c.11278-2A>G (NM_001080463.2).
Identifiers: ClinVar variation 3050906 (VCV003050906.2), dbSNP rs765515764, ClinGen allele CA6255218.
Genomic context (GRCh38, chr11:103,304,593, plus strand): 5'-GTTATATTACAACATGTTAGCAGATCTGTTTTTAAATTTTGTTTGTTTTTTTGCTTTTGT[A>G]GGTTGCCATGGGTCAAGGTCAAGCTGATTTAGCAATTCAAATGCTAAAAGAATGTGCCCG-3'